The following is an entry in ClinVar:

NM_000532.5(PCCB):c.1283C>T (p.Thr428Ile)

Gene: PCCB (propionyl-CoA carboxylase subunit beta; plus strand). Cytogenetic location: 3q22.3.
Variant type: single nucleotide variant.
Coding change: c.1283C>T on transcript NM_000532.5 (MANE Select); coding-DNA position 1283, C replaced by T.
Protein change: p.Thr428Ile; replaces threonine 428 with isoleucine.
Molecular consequence: missense variant.
Genome position (GRCh38, 1-based): chr3:136,327,239, C>T. VCF-style: chr3-136327239-C-T. GRCh37 (hg19) VCF-style: chr3-136046081-C-T.
Other names: c.1343C>T, p.Thr448Ile (NM_001178014.2); short protein forms T428I, T448I.
Identifiers: ClinVar variation 12016 (VCV000012016.25), dbSNP rs111033542, ClinGen allele CA341174.

ClinVar aggregate classification (germline): Pathogenic. Review status: criteria provided, multiple submitters, no conflicts (2 of 4 stars). 11 submissions from 11 submitters: Pathogenic (8). 3 of the submissions do not count toward it. Last evaluated 2025-10-29.

Conditions:
Propionic acidemia (PROP). Also called: GLYCINEMIA, KETOTIC; HYPERGLYCINEMIA WITH KETOACIDOSIS AND LEUKOPENIA; KETOTIC HYPERGLYCINEMIA. Identifiers: Orphanet 35, MedGen C0268579, MONDO:0011628, OMIM 606054, HP:0003571.

Allele frequency attached by ClinVar (database versions not stated): gnomAD 0.00001; ExAC 0.00002; gnomAD exomes 0.00002; TOPMed 0.00002.
gnomAD v4.1: 23 of 1,613,740 alleles (0.0014%); highest among the groups gnomAD compares: East Asian, 0.013%; no homozygotes.

Submissions (11):

Labcorp Genetics (formerly Invitae), Labcorp
Classification: Pathogenic for Propionic acidemia. Last evaluated: 2025-10-29. Review status: criteria provided, single submitter. Criteria: Invitae Variant Classification Sherloc (09022015). Collection method: clinical testing. Allele origin: germline.
Comment: This sequence change replaces threonine, which is neutral and polar, with isoleucine, which is neutral and non-polar, at codon 428 of the PCCB protein (p.Thr428Ile). This variant is present in population databases (rs111033542, gnomAD 0.02%). This missense change has been observed in individual(s) with propionic acidemia (PMID: 8295402, 12409268). In at least one individual the data is consistent with being in trans (on the opposite chromosome) from a pathogenic variant. ClinVar contains an entry for this variant (Variation ID: 12016). Invitae Evidence Modeling of protein sequence and biophysical properties (such as structural, functional, and spatial information, amino acid conservation, physicochemical variation, residue mobility, and thermodynamic stability) indicates that this missense variant is expected to disrupt PCCB protein function with a positive predictive value of 95%. Experimental studies have shown that this missense change affects PCCB function (PMID: 8852656). For these reasons, this variant has been classified as Pathogenic.

Natera, Inc.
Classification: Pathogenic for Propionic acidemia. Last evaluated: 2025-10-10. Review status: criteria provided, single submitter. Criteria: Natera Variant Classification Schema (03/2026). Collection method: clinical testing. Allele origin: germline.
Comment: The c.1283C>T variant in PCCB is a missense variant predicted to cause substitution of threonine to isoleucine at amino acid 428. This variant is rare in the general population with a frequency below the threshold expected for the associated phenotype(s). This variant has been observed in one or more individuals affected with the associated recessive disease, as either homozygous or compound heterozygous with a second variant (PMID: 12409268). Given the available evidence, this variant is classified as Pathogenic.

3billion
Classification: Pathogenic for Propionic acidemia. Last evaluated: 2024-12-21. Review status: criteria provided, single submitter. Criteria: ACMG Guidelines, 2015. Collection method: clinical testing. Allele origin: germline. Affected: yes.
Comment: The variant is observed at an extremely low frequency in the gnomAD v4.1.0 dataset (total allele frequency: 0.001%). Predicted Consequence/Location: Missense variant In silico tool predictions suggest damaging effect of the variant on gene or gene product [REVEL: 0.92 (>=0.6, sensitivity 0.68 and specificity 0.92); 3Cnet: 0.99 (>=0.6, sensitivity 0.72 and precision 0.9)]. The same nucleotide change resulting in the same amino acid change has been previously reported as pathogenic/likely pathogenic with strong evidence (ClinVar ID: VCV000012016 /PMID: 8295402 /3billion dataset). The variant has been reported to be in trans with a pathogenic variant as either compound heterozygous or homozygous in at least 2 similarly affected unrelated individuals (PMID: 12409268, 15059621). Therefore, this variant is classified as Pathogenic according to the recommendation of ACMG/AMP guideline.

Fulgent Genetics
Classification: Pathogenic for Propionic acidemia. Last evaluated: 2024-06-12. Review status: criteria provided, single submitter. Criteria: ACMG Guidelines, 2015. Collection method: clinical testing. Allele origin: germline.

Baylor Genetics
Classification: Pathogenic for Propionic acidemia. Last evaluated: 2024-02-21. Review status: criteria provided, single submitter. Criteria: ACMG Guidelines, 2015. Collection method: clinical testing. Allele origin: unknown.

ARUP Laboratories, Molecular Genetics and Genomics, ARUP Laboratories
Classification: Pathogenic for Propionic acidemia. Last evaluated: 2021-11-26. Review status: criteria provided, single submitter. Criteria: ARUP Molecular Germline Variant Investigation Process 2021. Collection method: clinical testing. Allele origin: germline.
Comment: The PCCB c.1283C>T, p.Thr428Ile variant (rs111033542) is reported in the literature in the homozygous and compound heterozygous state in multiple individuals affected with propionic acidemia (Kim 2003, Yang 2004, Yorifugi 2002). This variant is also reported in ClinVar (Variation ID: 12016) and is found in the general population with an allele frequency of 0.002% (6/251014 alleles) in the Genome Aggregation Database. The threonine at codon 428 is highly conserved, and computational analyses predict that this variant is deleterious (REVEL: 0.922). Based on available information, this variant is considered to be pathogenic. References: Kim SN et al. Molecular analysis of PCCB gene in Korean patients with propionic acidemia. Mol Genet Metab. 2002 Nov;77(3):209-16. PMID: 12409268. Yang X et al. Mutation spectrum of the PCCA and PCCB genes in Japanese patients with propionic acidemia. Mol Genet Metab. 2004 Apr;81(4):335-42. PMID: 15059621. Yorifuji T et al. Unexpectedly high prevalence of the mild form of propionic acidemia in Japan: presence of a common mutation and possible clinical implications. Hum Genet. 2002 Aug;111(2):161-5. PMID: 12189489.

Revvity Omics, Revvity
Classification: Pathogenic for Propionic acidemia. Last evaluated: 2020-02-15. Review status: criteria provided, single submitter. Criteria: ACMG Guidelines, 2015. Collection method: clinical testing. Allele origin: germline.

Women's Health and Genetics/Laboratory Corporation of America, LabCorp
Classification: Pathogenic for Propionic acidemia. Last evaluated: 2016-07-08. Review status: criteria provided, single submitter. Criteria: LabCorp Variant Classification Summary - May 2015. Collection method: clinical testing. Allele origin: germline.
Comment: Variant summary: The c.1283C>T (p.Tre428Ile) in PCCB gene is a missense change that alters a highly conserved nucleotide and 5/5 in silico tools predict deleterious outcome. The variant falls into the carboxyl-terminal portion of the b-subunit and mutations in this region are likely to diminish the ability of the mutant bPCC proteins to form PCC active oligomers. These predictions were also confirmed by functional studies, where no detectable enzymatic activities were found in fibroblasts of a patient homozygous T428I. The variant was observed in the large and broad cohorts of the ExAC project at an allele frequency of 0.00002 (3/121052 chrs tested). This frequency does not exceed the maximal expected allele frequency for a pathogenic variant in PCCB gene (0.0025). The variant was found in multiple affected individuals with established dx of propionic acidemia. Kim (2002) and Ohura (1993) report the frequency of the variant of interest in affected individuals as 56.3% and 50%, respectively. Lastly, a reputable database/diagnostic center classified the variant of interest as Pathogenic. Taken together, the variant was classified as Pathogenic.

Counsyl
Classification: Pathogenic for Propionic acidemia. Last evaluated: 2018-04-02. Review status: no assertion criteria provided. Collection method: clinical testing. Allele origin: unknown. Not counted in ClinVar's aggregate classification.

OMIM
Classification: Pathogenic for PROPIONIC ACIDEMIA. Last evaluated: 1993-01-01. Review status: no assertion criteria provided. Collection method: literature only. Allele origin: germline. Not counted in ClinVar's aggregate classification.

GeneReviews
No classification provided. Condition: Propionic acidemia. Review status: no classification provided. Collection method: literature only. Allele origin: unknown. Not counted in ClinVar's aggregate classification.

Literature cited by the submitters: PubMed 8295402 (cited by 4 submitters); PubMed 12409268 (cited by 5 submitters); PubMed 8852656 (cited by Labcorp Genetics (formerly Invitae), Labcorp); PubMed 15059621 (cited by 3 submitters); PubMed 12189489 (cited by Counsyl); PubMed 22593918 (cited by GeneReviews); NCBI Bookshelf NBK92946 (cited by GeneReviews).